The following is an entry in ClinVar:

NM_018941.4(CLN8):c.248G>A (p.Trp83Ter)

Gene: CLN8 (CLN8 transmembrane ER and ERGIC protein; plus strand). Cytogenetic location: 8p23.3.
Variant type: single nucleotide variant.
Coding change: c.248G>A on transcript NM_018941.4 (MANE Select); coding-DNA position 248, G replaced by A.
Protein change: p.Trp83Ter; replaces tryptophan 83 with a stop codon.
Molecular consequence: nonsense.
Genome position (GRCh38, 1-based): chr8:1,771,302, G>A. VCF-style: chr8-1771302-G-A. GRCh37 (hg19) VCF-style: chr8-1719468-G-A.
Other names: short protein forms W83*.
Identifiers: ClinVar variation 4721338 (VCV004721338.1).
Genomic context (GRCh38, chr8:1,771,302, plus strand): 5'-TCTGGGACCTGGCGGCCACGCGTGCAGTCTTTGGTGTTCAGAGCACAGCCGCAGGCCTGT[G>A]GGCTCTGCTGGGGGACCCTGTGCTGCATGCCGACAAGGCGCGTGGCCAGCAGAACTGGTG-3'

ClinVar aggregate classification (germline): Pathogenic (1 of 4 stars; one submission).

Conditions:
Neuronal ceroid lipofuscinosis. Also called: Neuronal Ceroid Lipofuscinoses. Identifiers: Orphanet 216, Orphanet 79263, MedGen C0027877, MONDO:0016295. Disease mechanism: loss of function.

Submission:

Labcorp Genetics (formerly Invitae), Labcorp
Classification: Pathogenic for Neuronal ceroid lipofuscinosis. Last evaluated: 2025-09-08. Review status: criteria provided, single submitter. Criteria: Invitae Variant Classification Sherloc (09022015). Collection method: clinical testing. Allele origin: germline.
Comment: This sequence change creates a premature translational stop signal (p.Trp83*) in the CLN8 gene. It is expected to result in an absent or disrupted protein product. Loss-of-function variants in CLN8 are known to be pathogenic (PMID: 15024724). This variant is not present in population databases (gnomAD no frequency). This variant has not been reported in the literature in individuals affected with CLN8-related conditions. For these reasons, this variant has been classified as Pathogenic.

Literature cited by the submitters: PubMed 15024724.